The following is an entry in ClinVar:

NM_138694.4(PKHD1):c.4021_4022del (p.Gln1341fs)

Gene: PKHD1 (PKHD1 ciliary IPT domain containing fibrocystin/polyductin; minus strand). Cytogenetic location: 6p12.2.
Variant type: Microsatellite.
Coding change: c.4021_4022del on transcript NM_138694.4 (MANE Select); coding-DNA positions 4021 to 4022, 2 bases deleted (CA; older notation c.4021_4022delCA).
Protein change: p.Gln1341fs; shifts the reading frame from glutamine 1341.
Molecular consequence: frameshift variant.
Genome position (GRCh38, 1-based): chr6:52,025,788-52,025,789, TG deleted on the plus strand (CA on the coding strand, the reverse complement: PKHD1 is on the minus strand); deleting any 2 consecutive bases within chr6:52,025,788-52,025,792 gives the same sequence; the c. name uses the placement nearest the transcript's 3' end. VCF-style (leftmost placement, unchanged base first): chr6-52025787-CTG-C. GRCh37 (hg19) VCF-style: chr6-51890585-CTG-C.
Other names: c.4021_4022delCA (NM_138694.3); c.4021_4022del, p.Gln1341fs (NM_170724.3); short protein forms Q1341fs.
Identifiers: ClinVar variation 997153 (VCV000997153.2), dbSNP rs1802068057, ClinGen allele CA1628648487.
Genomic context (GRCh38, chr6:52,025,787, plus strand): 5'-AGCCTCCAGACTGTGAAGAGGGATGGAGCATCCAGACAGGCTCACGTTGCCCTGGAAGGA[CTG>C]TGTCTCAACATCACAGTTCAGGTTCCCCAGAAGGATGACTGAGTTGGAGAGGTTACTTCC-3'

ClinVar aggregate classification (germline): Likely pathogenic. Review status: criteria provided, single submitter (1 of 4 stars). 2 submissions from 2 submitters: Likely pathogenic (1). 1 of the submissions does not count toward it. Last evaluated 2024-10-20.

Conditions:
Polycystic kidney disease. Also called: Polycystic kidney dysplasia; Kidney, Polycystic. Identifiers: MedGen C0022680, MeSH D007690, MONDO:0020642, HP:0000113.
Autosomal recessive polycystic kidney disease (ARPKD). Also called: AR polycystic kidney disease. Identifiers: Orphanet 731, Orphanet 8378, MedGen C0085548, MeSH D017044, MONDO:0009889.

Submissions (2):

Natera, Inc.
Classification: Likely pathogenic for Autosomal recessive polycystic kidney disease. Last evaluated: 2024-10-20. Review status: criteria provided, single submitter. Criteria: Natera Variant Classification Schema (03/2026). Collection method: clinical testing. Allele origin: germline.
Comment: The c.4021_4022delCA variant in PKHD1 is a frameshift variant predicted to shift the reading frame beginning at codon 1341 and leads to a stop codon 36 codons downstream. This variant is expected to result in nonsense mediated decay, truncation, or a dysfunctional protein product. This variant is rare in the general population with a frequency below the threshold expected for the associated phenotype(s). Given the available evidence, this variant is classified as Likely Pathogenic.

Department of Pathology and Laboratory Medicine, Sinai Health System
Classification: Pathogenic for Polycystic Kidney disease. Review status: no assertion criteria provided. Collection method: clinical testing. Allele origin: unknown. Affected: yes. Study: The Canadian Open Genetics Repository (COGR). Not counted in ClinVar's aggregate classification.
Comment: The PKHD1 p.Gln1341Valfs*36 variant was not identified in the literature nor was it identified in dbSNP, ClinVar, LOVD3.0, ADPKD-MD, Exome Aggregation Consortium (August 8th 2016) or Genome Aggregation Database (Feb 27, 2017). The c.4021_4022del variant is predicted to cause a frameshift which alters the protein amino acid sequence beginning at codon 1341 and leads to a premature stop codon at position 1376. This alteration is then predicted to result in a truncated or absent protein and loss of function. Loss of function variants of the PKHD1 gene are an established mechanism of disease in Autosomal Recessive Polycystic Kidney Disease and is the type of variant expected to cause the disorder. In summary, based on the above information, this variant meets our laboratoryâ€šÃ„Ã´s criteria to be classified as pathogenic.